The following is an entry in ClinVar:

NM_001497.4(B4GALT1):c.526C>T (p.His176Tyr)

Gene: B4GALT1 (beta-1,4-galactosyltransferase 1; minus strand). Cytogenetic location: 9p21.1.
Variant type: single nucleotide variant.
Coding change: c.526C>T on transcript NM_001497.4 (MANE Select); coding-DNA position 526, C replaced by T.
Protein change: p.His176Tyr; replaces histidine 176 with tyrosine.
Molecular consequence: missense variant.
Genome position (GRCh38, 1-based): chr9:33,135,311, G>A on the plus strand (C>T on the coding strand, the complement: B4GALT1 is on the minus strand). VCF-style: chr9-33135311-G-A. GRCh37 (hg19) VCF-style: chr9-33135309-G-A.
Other names: c.487C>T, p.His163Tyr (NM_001378495.1); c.526C>T, p.His176Tyr (NM_001378496.1, NM_001378497.1); c.526C>T (NM_001497.3); short protein forms H163Y, H176Y.
Identifiers: ClinVar variation 1484747 (VCV001484747.9), dbSNP rs1411979572, ClinGen allele CA373187016.

ClinVar aggregate classification (germline): Uncertain significance. Review status: criteria provided, multiple submitters, no conflicts (2 of 4 stars). 2 submissions from 2 submitters: Uncertain significance (2). Last evaluated 2025-03-31.

Conditions:
Inborn genetic diseases. Identifiers: MedGen C0950123, MeSH D030342.

Allele frequency attached by ClinVar (database versions not stated): gnomAD exomes below 0.00001 and 0.00001; gnomAD 0.00001; TOPMed 0.00004.
gnomAD v4.1: 7 of 1,614,092 alleles (0.00043%); highest among the groups gnomAD compares: Admixed American, 0.005%; no homozygotes.

Submissions (2):

Ambry Genetics
Classification: Uncertain significance for Inborn genetic diseases. Last evaluated: 2025-03-31. Review status: criteria provided, single submitter. Criteria: Ambry Variant Classification Scheme 2023. Collection method: clinical testing. Allele origin: germline.

Labcorp Genetics (formerly Invitae), Labcorp
Classification: Uncertain significance. Last evaluated: 2021-02-08. Review status: criteria provided, single submitter. Criteria: Invitae Variant Classification Sherloc (09022015). Collection method: clinical testing. Allele origin: germline.
Comment: This variant is not present in population databases (ExAC no frequency). This variant has not been reported in the literature in individuals with B4GALT1-related conditions. Algorithms developed to predict the effect of missense changes on protein structure and function are either unavailable or do not agree on the potential impact of this missense change (SIFT: "Deleterious"; PolyPhen-2: "Probably Damaging"; Align-GVGD: "Class C0"). In summary, the available evidence is currently insufficient to determine the role of this variant in disease. Therefore, it has been classified as a Variant of Uncertain Significance. This sequence change replaces histidine with tyrosine at codon 176 of the B4GALT1 protein (p.His176Tyr). The histidine residue is moderately conserved and there is a moderate physicochemical difference between histidine and tyrosine.